The following is an entry in ClinVar:

ClinVar aggregate classification (germline): Pathogenic. Review status: criteria provided, multiple submitters, no conflicts (2 of 4 stars). 2 submissions from 2 submitters: Pathogenic (2). Last evaluated 2025-05-16.

Conditions:
Inborn genetic diseases. Identifiers: MedGen C0950123, MeSH D030342.

Submissions (2):

Ambry Genetics
Classification: Pathogenic for Inborn genetic diseases. Last evaluated: 2025-05-16. Review status: criteria provided, single submitter. Criteria: Ambry Variant Classification Scheme 2023. Collection method: clinical testing. Allele origin: germline.
Comment: The c.1173dupA pathogenic mutation, located in coding exon 3 of the MBD4 gene, results from a duplication of A at nucleotide position 1173, causing a translational frameshift with a predicted alternate stop codon (p.D392Rfs*4). This variant is considered to be rare based on population cohorts in the Genome Aggregation Database (gnomAD). This alteration is expected to result in loss of function by premature protein truncation or nonsense-mediated mRNA decay. As such, this alteration is interpreted as a disease-causing mutation.

Labcorp Genetics (formerly Invitae), Labcorp
Classification: Pathogenic. Last evaluated: 2024-07-22. Review status: criteria provided, single submitter. Criteria: Invitae Variant Classification Sherloc (09022015). Collection method: clinical testing. Allele origin: germline.
Comment: This sequence change creates a premature translational stop signal (p.Asp392Argfs*5) in the MBD4 gene. It is expected to result in an absent or disrupted protein product. Loss-of-function variants in MBD4 are known to be pathogenic (PMID: 30049810, 35460607). This variant is not present in population databases (gnomAD no frequency). This variant has not been reported in the literature in individuals affected with MBD4-related conditions. For these reasons, this variant has been classified as Pathogenic.

Literature cited by the submitters: PubMed 30049810 (cited by Labcorp Genetics (formerly Invitae), Labcorp); PubMed 35460607 (cited by Labcorp Genetics (formerly Invitae), Labcorp).

NM_001276270.2(MBD4):c.1173dup (p.Asp392fs)

Gene: MBD4 (methyl-CpG binding domain 4, DNA glycosylase; minus strand). Cytogenetic location: 3q21.3.
Variant type: Duplication.
Coding change: c.1173dup on transcript NM_001276270.2 (MANE Select); coding-DNA position 1173, one base duplicated (A; older notation c.1173dupA).
Protein change: p.Asp392fs; shifts the reading frame from aspartic acid 392.
Molecular consequence: frameshift variant. On other transcripts: intron variant (1).
Genome position (GRCh38, 1-based): chr3:129,436,471, T duplicated on the plus strand (A on the coding strand, the reverse complement: MBD4 is on the minus strand); the first of 3 consecutive T bases (chr3:129,436,471-129,436,473); duplicating any one gives the same sequence. VCF-style (leftmost placement, unchanged base first): chr3-129436470-C-CT. GRCh37 (hg19) VCF-style: chr3-129155313-C-CT.
Other names: c.1173dup, p.Asp392fs (NM_001276271.2, NM_001276272.2, NM_003925.3); c.247+1337dup (NM_001276273.2); c.1173dupA (NM_001276270.2); short protein forms D392fs.
Identifiers: ClinVar variation 3719437 (VCV003719437.3).